The following is an entry in ClinVar:

ClinVar aggregate classification (germline): Likely benign. Review status: criteria provided, multiple submitters, no conflicts (2 of 4 stars). 5 submissions from 5 submitters: Likely benign (4). 1 of the submissions does not count toward it. Last evaluated 2026-02-01.

Conditions:
TAF6-related disorder. Also called: TAF6-related condition.

Allele frequency attached by ClinVar (database versions not stated): gnomAD exomes 0.00018 and 0.00029; ExAC 0.00026; ESP Exome Variant Server 0.00031; gnomAD 0.00043 and 0.00050; TOPMed 0.00080; 1000 Genomes Project 0.00120; 1000 Genomes Project 30x 0.00125.
gnomAD v4.1: 370 of 1,614,134 alleles (0.023%); highest among the groups gnomAD compares: Middle Eastern, 0.96%; 6 homozygotes.

Submissions (5):

CeGaT Center for Human Genetics Tuebingen
Classification: Likely benign. Last evaluated: 2026-02-01. Review status: criteria provided, single submitter. Criteria: CeGaT Center For Human Genetics Tuebingen Variant Classification Criteria Version 2. Collection method: clinical testing. Allele origin: germline. Affected: yes. Observed: 3 variant alleles.
Comment: TAF6: BP4, BP7

Labcorp Genetics (formerly Invitae), Labcorp
Classification: Likely benign. Last evaluated: 2025-08-18. Review status: criteria provided, single submitter. Criteria: Invitae Variant Classification Sherloc (09022015). Collection method: clinical testing. Allele origin: germline.

Blueprint Genetics
Classification: Likely benign. Last evaluated: 2024-11-06. Review status: criteria provided, single submitter. Criteria: ACMG Guidelines, 2015. Collection method: clinical testing. Allele origin: germline.

Breakthrough Genomics
Classification: Likely benign. Review status: criteria provided, single submitter. Criteria: ACMG Guidelines, 2015. Collection method: not provided. Allele origin: germline. Inheritance: Autosomal recessive inheritance. Affected: yes.

PreventionGenetics, part of Exact Sciences
Classification: Likely benign for TAF6-related condition. Last evaluated: 2022-02-09. Review status: no assertion criteria provided. Collection method: clinical testing. Allele origin: germline. Not counted in ClinVar's aggregate classification.
Comment: This variant is classified as likely benign based on ACMG/AMP sequence variant interpretation guidelines (Richards et al. 2015 PMID: 25741868, with internal and published modifications).

NM_139315.3(TAF6):c.1770C>T (p.Thr590=)

Genes: AP4M1 (adaptor related protein complex 4 subunit mu 1; plus strand), TAF6 (TATA-box binding protein associated factor 6; minus strand). Cytogenetic location: 7q22.1.
Variant type: single nucleotide variant.
Coding change: c.1770C>T on transcript NM_139315.3 (MANE Select); coding-DNA position 1770, C replaced by T.
Protein change: p.Thr590=; no amino-acid change (threonine 590 retained).
Molecular consequence: synonymous variant. On other transcripts: non-coding transcript variant (1), 3 prime UTR variant (2).
Genome position (GRCh38, 1-based): chr7:100,107,510, G>A on the plus strand (C>T on the coding strand, the complement: TAF6 is on the minus strand). VCF-style: chr7-100107510-G-A. GRCh37 (hg19) VCF-style: chr7-99705133-G-A.
Other names: c.1881C>T, p.Thr627= (NM_001190415.2); c.1770C>T, p.Thr590= (NM_001364998.1, NM_001364999.1, NM_005641.4); c.1740C>T, p.Thr580= (NM_001365000.1, NM_001365001.1, NM_001365002.1 and 1 more transcripts); c.1908C>T, p.Thr636= (NM_001365004.1); c.*628G>A (NM_001363671.2, NM_004722.4).
Identifiers: ClinVar variation 748241 (VCV000748241.34), dbSNP rs145591068, ClinGen allele CA4375162.